The following is an entry in ClinVar:

NM_003482.4(KMT2D):c.6995C>T (p.Thr2332Ile)

Gene: KMT2D (lysine methyltransferase 2D; minus strand). Cytogenetic location: 12q13.12.
Variant type: single nucleotide variant.
Coding change: c.6995C>T on transcript NM_003482.4 (MANE Select); coding-DNA position 6995, C replaced by T.
Protein change: p.Thr2332Ile; replaces threonine 2332 with isoleucine.
Molecular consequence: missense variant.
Genome position (GRCh38, 1-based): chr12:49,040,775, G>A on the plus strand (C>T on the coding strand, the complement: KMT2D is on the minus strand). VCF-style: chr12-49040775-G-A. GRCh37 (hg19) VCF-style: chr12-49434558-G-A.
Other names: short protein forms T2332I.
Identifiers: ClinVar variation 1512126 (VCV001512126.8), dbSNP rs1466180356, ClinGen allele CA384749129.

ClinVar aggregate classification (germline): Uncertain significance (1 of 4 stars; one submission).

Conditions:
Kabuki syndrome. Also called: NIIKAWA-KUROKI SYNDROME; Kabuki make-up syndrome. Identifiers: Orphanet 2322, MedGen C0796004, MONDO:0016512.

Submission:

Labcorp Genetics (formerly Invitae), Labcorp
Classification: Uncertain significance for Kabuki syndrome. Last evaluated: 2022-07-12. Review status: criteria provided, single submitter. Criteria: Invitae Variant Classification Sherloc (09022015). Collection method: clinical testing. Allele origin: germline.
Comment: In summary, the available evidence is currently insufficient to determine the role of this variant in disease. Therefore, it has been classified as a Variant of Uncertain Significance. Advanced modeling of protein sequence and biophysical properties (such as structural, functional, and spatial information, amino acid conservation, physicochemical variation, residue mobility, and thermodynamic stability) performed at Invitae indicates that this missense variant is not expected to disrupt KMT2D protein function. ClinVar contains an entry for this variant (Variation ID: 1512126). This variant has not been reported in the literature in individuals affected with KMT2D-related conditions. This variant is not present in population databases (gnomAD no frequency). This sequence change replaces threonine, which is neutral and polar, with isoleucine, which is neutral and non-polar, at codon 2332 of the KMT2D protein (p.Thr2332Ile).